The following is an entry in ClinVar:

ClinVar aggregate classification (germline): Uncertain significance (1 of 4 stars; one submission).

Conditions:
Centromeric instability of chromosomes 1,9 and 16 and immunodeficiency (ICF1). Also called: CENTROMERIC INSTABILITY, IMMUNODEFICIENCY SYNDROME; IMMUNE DEFICIENCY, VARIABLE, WITH CENTROMERIC INSTABILITY OF CHROMOSOMES 1, 9, AND 16; IMMUNODEFICIENCY SYNDROME, VARIABLE; Immunodeficiency-centromeric instability-facial anomalies. Identifiers: Orphanet 2268, MedGen C0398788, MONDO:0000133.

Submission:

Labcorp Genetics (formerly Invitae), Labcorp
Classification: Uncertain significance for Centromeric instability of chromosomes 1,9 and 16 and immunodeficiency. Last evaluated: 2024-01-15. Review status: criteria provided, single submitter. Criteria: Invitae Variant Classification Sherloc (09022015). Collection method: clinical testing. Allele origin: germline.
Comment: This sequence change falls in intron 17 of the DNMT3B gene. It does not directly change the encoded amino acid sequence of the DNMT3B protein. It affects a nucleotide within the consensus splice site. This variant is not present in population databases (gnomAD no frequency). This variant has not been reported in the literature in individuals affected with DNMT3B-related conditions. ClinVar contains an entry for this variant (Variation ID: 1404802). Variants that disrupt the consensus splice site are a relatively common cause of aberrant splicing (PMID: 17576681, 9536098). Algorithms developed to predict the effect of sequence changes on RNA splicing suggest that this variant is not likely to affect RNA splicing. In summary, the available evidence is currently insufficient to determine the role of this variant in disease. Therefore, it has been classified as a Variant of Uncertain Significance.

Literature cited by the submitters: PubMed 17576681; PubMed 9536098.

NM_006892.4(DNMT3B):c.1905+6G>A

Gene: DNMT3B (DNA methyltransferase 3 beta; plus strand). Cytogenetic location: 20q11.21.
Variant type: single nucleotide variant.
Coding change: c.1905+6G>A on transcript NM_006892.4 (MANE Select); 6 bases into the intron after coding-DNA position 1905, G replaced by A.
Molecular consequence: intron variant.
Genome position (GRCh38, 1-based): chr20:32,800,304, G>A. VCF-style: chr20-32800304-G-A. GRCh37 (hg19) VCF-style: chr20-31388110-G-A.
Other names: c.1845+6G>A (NM_175848.2, NM_175849.2); c.1719+6G>A (NM_001207055.2); c.1617+6G>A (NM_001207056.2); c.1881+6G>A (NM_175850.3).
Identifiers: ClinVar variation 1404802 (VCV001404802.6), dbSNP rs774018990, ClinGen allele CA2573157036.